The following is an entry in ClinVar:

ClinVar aggregate classification (germline): Benign/Likely benign. Review status: criteria provided, multiple submitters, no conflicts (2 of 4 stars). 12 submissions from 11 submitters: Benign (7); Likely benign (1). 4 of the submissions do not count toward it. Last evaluated 2026-02-04.

Conditions:
Hereditary cancer-predisposing syndrome. Also called: Tumor predisposition; Hereditary neoplastic syndrome; Neoplastic Syndromes, Hereditary; Hereditary Cancer Syndrome. Identifiers: Orphanet 140162, MedGen C0027672, MeSH D009386, MONDO:0015356.
Breast and/or ovarian cancer. Identifiers: MedGen CN221562.
Familial cancer of breast. Also called: BREAST CANCER, FAMILIAL; Hereditary breast cancer; hereditary breast carcinoma. Identifiers: Orphanet 227535, MedGen C0346153, MONDO:0016419, OMIM 114480. Disease mechanism: loss of function.
Fanconi anemia complementation group J. Also called: BRIP1-Related Fanconi Anemia. Identifiers: Orphanet 84, MedGen C1836860, MONDO:0012187, OMIM 609054.
Ovarian cancer. Also called: OVARIAN CANCER, SOMATIC. Identifiers: Orphanet 213500, MedGen C1140680, MONDO:0008170, OMIM 167000.

Allele frequency attached by ClinVar (database versions not stated): TOPMed 0.00126; ExAC 0.00177; gnomAD exomes 0.00182; 1000 Genomes Project 30x 0.00468; 1000 Genomes Project 0.00519; ESP Exome Variant Server 0.00015; gnomAD 0.00079 and 0.00109.
gnomAD v4.1: 1,219 of 1,610,502 alleles (0.076%); highest among the groups gnomAD compares: East Asian, 2.4%; 17 homozygotes.

Submissions (12):

Labcorp Genetics (formerly Invitae), Labcorp
Classification: Benign for Familial cancer of breast; Fanconi anemia complementation group J. Last evaluated: 2026-02-04. Review status: criteria provided, single submitter. Criteria: Invitae Variant Classification Sherloc (09022015). Collection method: clinical testing. Allele origin: germline.

ARUP Laboratories, Molecular Genetics and Genomics, ARUP Laboratories
Classification: Benign. Last evaluated: 2025-04-18. Review status: criteria provided, single submitter. Criteria: ARUP Molecular Germline Variant Investigation Process 2024. Collection method: clinical testing. Allele origin: germline.

Center for Genomic Medicine, Rigshospitalet, Copenhagen University Hospital
Classification: Likely benign. Last evaluated: 2025-03-04. Review status: criteria provided, single submitter. Criteria: ACMG Guidelines, 2015. Collection method: clinical testing. Allele origin: germline.

Department of Pathology and Laboratory Medicine, Sinai Health System
Classification: Benign for Familial cancer of breast; Fanconi anemia complementation group J. Last evaluated: 2024-09-23. Review status: criteria provided, single submitter. Criteria: ACMG Guidelines, 2015. Collection method: clinical testing. Allele origin: germline.

CHEO Genetics Diagnostic Laboratory, Children's Hospital of Eastern Ontario
Classification: Benign for Breast and/or ovarian cancer. Last evaluated: 2022-05-03. Review status: criteria provided, single submitter. Criteria: ACMG Guidelines, 2015. Collection method: clinical testing. Allele origin: germline.

PreventionGenetics, part of Exact Sciences
Classification: Benign. Last evaluated: 2017-02-10. Review status: criteria provided, single submitter. Criteria: ACMG Guidelines, 2015. Collection method: clinical testing. Allele origin: germline.

Color Diagnostics, LLC DBA Color Health
Classification: Benign for Hereditary cancer-predisposing syndrome. Last evaluated: 2015-04-10. Review status: criteria provided, single submitter. Criteria: ACMG Guidelines, 2015. Collection method: clinical testing. Allele origin: germline.

GeneDx
Classification: Benign. Last evaluated: 2013-12-30. Review status: criteria provided, single submitter. Criteria: GeneDx Variant Classification (06012015). Collection method: clinical testing. Allele origin: germline. Affected: yes.
Comment: This variant is considered likely benign or benign based on one or more of the following criteria: it is a conservative change, it occurs at a poorly conserved position in the protein, it is predicted to be benign by multiple in silico algorithms, and/or has population frequency not consistent with disease.

Counsyl
Classification: Benign for Fanconi anemia complementation group J. Last evaluated: 2016-06-08. Review status: no assertion criteria provided. Collection method: clinical testing. Allele origin: unknown. Not counted in ClinVar's aggregate classification.

Counsyl
Classification: Benign for Ovarian cancer. Last evaluated: 2016-06-08. Review status: no assertion criteria provided. Collection method: clinical testing. Allele origin: unknown. Not counted in ClinVar's aggregate classification.

Clinical Genetics Laboratory, Department of Pathology, Netherlands Cancer Institute
Classification: Benign. Review status: no assertion criteria provided. Collection method: clinical testing. Allele origin: germline. Affected: yes. Study: VKGL Data-share Consensus. Not counted in ClinVar's aggregate classification.

Joint Genome Diagnostic Labs from Nijmegen and Maastricht, Radboudumc and MUMC+
Classification: Benign. Review status: no assertion criteria provided. Collection method: clinical testing. Allele origin: germline. Affected: yes. Study: VKGL Data-share Consensus. Not counted in ClinVar's aggregate classification.

Literature cited by the submitters: PubMed 18483852 (cited by Counsyl).

NM_032043.3(BRIP1):c.2257+19A>C

Gene: BRIP1 (BRCA1 interacting DNA helicase 1; minus strand). Cytogenetic location: 17q23.2.
Variant type: single nucleotide variant.
Coding change: c.2257+19A>C on transcript NM_032043.3 (MANE Select); 19 bases into the intron after coding-DNA position 2257, A replaced by C.
Molecular consequence: intron variant.
Genome position (GRCh38, 1-based): chr17:61,744,413, T>G on the plus strand (A>C on the coding strand, the complement: BRIP1 is on the minus strand). VCF-style: chr17-61744413-T-G. GRCh37 (hg19) VCF-style: chr17-59821774-T-G.
Identifiers: ClinVar variation 136574 (VCV000136574.35), dbSNP rs77851913, ClinGen allele CA289733.
Genomic context (GRCh38, chr17:61,744,413, plus strand): 5'-AATATAAAATTATAATTGTACCTTCTTACTTTGTAATAAAAAATATTTTTTCACCGACCA[T>G]GAAATAATTTCCAGTTACCTTTCTCTCCTTTGTATTTGATTGCGTCATAGTACACCTGCA-3'